The following is an entry in ClinVar:

ClinVar aggregate classification (germline): Likely benign (1 of 4 stars; one submission).

Conditions:
IFT74-related disorder. Also called: IFT74-Related Disorders; IFT74-related condition.

Submission:

PreventionGenetics, part of Exact Sciences
Classification: Likely benign for IFT74-related condition. Last evaluated: 2026-07-22. Review status: criteria provided, single submitter. Criteria: ACMG Guidelines, 2015. Collection method: clinical testing. Allele origin: germline.
Comment: This variant is classified as likely benign based on ACMG/AMP sequence variant interpretation guidelines (Richards et al. 2015 PMID: 25741868, with internal and published modifications).

NM_025103.4(IFT74):c.306-27C>A

Gene: IFT74 (intraflagellar transport 74; plus strand). Cytogenetic location: 9p21.2.
Variant type: single nucleotide variant.
Coding change: c.306-27C>A on transcript NM_025103.4 (MANE Select); 27 bases into the intron before coding-DNA position 306, C replaced by A.
Molecular consequence: intron variant.
Genome position (GRCh38, 1-based): chr9:26,984,230, C>A. VCF-style: chr9-26984230-C-A. GRCh37 (hg19) VCF-style: chr9-26984228-C-A.
Other names: c.306-27C>A (NM_001099223.3, NM_001099222.3, NM_001349928.2 and 1 more transcripts).
Identifiers: ClinVar variation 4989291 (VCV004989291.1).